The following is an entry in ClinVar:

NM_004371.4(COPA):c.529G>T (p.Val177Leu)

Gene: COPA (coat protein complex I subunit alpha; minus strand). Cytogenetic location: 1q23.2.
Variant type: single nucleotide variant.
Coding change: c.529G>T on transcript NM_004371.4 (MANE Select); coding-DNA position 529, G replaced by T.
Protein change: p.Val177Leu; replaces valine 177 with leucine.
Molecular consequence: missense variant.
Genome position (GRCh38, 1-based): chr1:160,325,620, C>A on the plus strand (G>T on the coding strand, the complement: COPA is on the minus strand). VCF-style: chr1-160325620-C-A. GRCh37 (hg19) VCF-style: chr1-160295410-C-A.
Other names: c.529G>T, p.Val177Leu (NM_001098398.2); short protein forms V177L.
Identifiers: ClinVar variation 1439347 (VCV001439347.8), dbSNP rs752416801, ClinGen allele CA1198344.
Genomic context (GRCh38, chr1:160,325,620, plus strand): 5'-CCACTGCATCTGTAGTTCCAAATAGATCAACCCCAGTTATTCCTCTCACATCCGATTCCA[C>A]CGCACCAGGGGACAGGTTTTTTTTCCTCAGACCTTTGAAGGGATAAGGAGTGGGATGAAA-3'
Protein context (NP_004362.2, residues 167-187): LRKKNLSPGA[Val177Leu]ESDVRGITGV

ClinVar aggregate classification (germline): Uncertain significance (1 of 4 stars; one submission).

Conditions:
Autoimmune interstitial lung disease-arthritis syndrome. Also called: Autoinflammation and autoimmunity, systemic, with immune dysregulation. Identifiers: Orphanet 444092, MedGen C5975714, MONDO:0014629.

Allele frequency attached by ClinVar (database versions not stated): ExAC 0.00001; gnomAD 0.00001; gnomAD exomes 0.00001; TOPMed 0.00001.
gnomAD v4.1: 6 of 1,614,062 alleles (0.00037%); highest among the groups gnomAD compares: Admixed American, 0.0083%; no homozygotes.

Submission:

Labcorp Genetics (formerly Invitae), Labcorp
Classification: Uncertain significance for Autoimmune interstitial lung disease-arthritis syndrome. Last evaluated: 2024-01-30. Review status: criteria provided, single submitter. Criteria: Invitae Variant Classification Sherloc (09022015). Collection method: clinical testing. Allele origin: germline.
Comment: This sequence change replaces valine, which is neutral and non-polar, with leucine, which is neutral and non-polar, at codon 177 of the COPA protein (p.Val177Leu). This variant is present in population databases (rs752416801, gnomAD 0.009%). This variant has not been reported in the literature in individuals affected with COPA-related conditions. ClinVar contains an entry for this variant (Variation ID: 1439347). Advanced modeling of protein sequence and biophysical properties (such as structural, functional, and spatial information, amino acid conservation, physicochemical variation, residue mobility, and thermodynamic stability) performed at Invitae indicates that this missense variant is not expected to disrupt COPA protein function with a negative predictive value of 80%. In summary, the available evidence is currently insufficient to determine the role of this variant in disease. Therefore, it has been classified as a Variant of Uncertain Significance.